The following is an entry in ClinVar:

NM_006929.5(SKIC2):c.1183T>A (p.Cys395Ser)

Genes: SKIC2 (SKI2 subunit of superkiller complex; plus strand), LOC126859653 (CDK7 strongly-dependent group 2 enhancer GRCh37_chr6:31929542-31930741; plus strand). Cytogenetic location: 6p21.33.
Variant type: single nucleotide variant.
Coding change: c.1183T>A on transcript NM_006929.5 (MANE Select); coding-DNA position 1183, T replaced by A.
Protein change: p.Cys395Ser; replaces cysteine 395 with serine.
Molecular consequence: missense variant.
Genome position (GRCh38, 1-based): chr6:31,962,557, T>A. VCF-style: chr6-31962557-T-A. GRCh37 (hg19) VCF-style: chr6-31930334-T-A.
Other names: c.1183T>A (NM_006929.4); short protein forms C395S.
Identifiers: ClinVar variation 1470744 (VCV001470744.6), dbSNP rs777406095, ClinGen allele CA3729376.

ClinVar aggregate classification (germline): Uncertain significance. Review status: criteria provided, multiple submitters, no conflicts (2 of 4 stars). 2 submissions from 2 submitters: Uncertain significance (2). Last evaluated 2022-10-12.

Conditions:
Inborn genetic diseases. Identifiers: MedGen C0950123, MeSH D030342.

Allele frequency attached by ClinVar (database versions not stated): gnomAD exomes below 0.00001 and 0.00001; ExAC 0.00002; gnomAD 0.00003; TOPMed 0.00003.
gnomAD v4.1: 9 of 1,613,710 alleles (0.00056%); highest among the groups gnomAD compares: African/African-American, 0.011%; no homozygotes.

Submissions (2):

Ambry Genetics
Classification: Uncertain significance for Inborn genetic diseases. Last evaluated: 2022-10-12. Review status: criteria provided, single submitter. Criteria: Ambry Variant Classification Scheme 2023. Collection method: clinical testing. Allele origin: germline.

Labcorp Genetics (formerly Invitae), Labcorp
Classification: Uncertain significance. Last evaluated: 2021-08-30. Review status: criteria provided, single submitter. Criteria: Invitae Variant Classification Sherloc (09022015). Collection method: clinical testing. Allele origin: germline.
Comment: This sequence change replaces cysteine with serine at codon 395 of the SKIV2L protein (p.Cys395Ser). The cysteine residue is highly conserved and there is a moderate physicochemical difference between cysteine and serine. This variant is present in population databases (rs777406095, ExAC 0.02%). This variant has not been reported in the literature in individuals affected with SKIV2L-related conditions. Algorithms developed to predict the effect of missense changes on protein structure and function are either unavailable or do not agree on the potential impact of this missense change (SIFT: "Deleterious"; PolyPhen-2: "Probably Damaging"; Align-GVGD: "Class C0"). In summary, the available evidence is currently insufficient to determine the role of this variant in disease. Therefore, it has been classified as a Variant of Uncertain Significance.